The following is an entry in ClinVar:

ClinVar aggregate classification (germline): Likely benign (0 of 4 stars; one submission).

Conditions:
EPHA2-related disorder. Also called: EPHA2-related condition.

Allele frequency attached by ClinVar (database versions not stated): TOPMed 0.00001; gnomAD exomes 0.00002.
gnomAD v4.1: 35 of 1,613,318 alleles (0.0022%); highest among the groups gnomAD compares: Middle Eastern, 0.033%; no homozygotes.

Submission:

PreventionGenetics, part of Exact Sciences
Classification: Likely benign for EPHA2-related condition. Last evaluated: 2019-06-03. Review status: no assertion criteria provided. Collection method: clinical testing. Allele origin: germline.
Comment: This variant is classified as likely benign based on ACMG/AMP sequence variant interpretation guidelines (Richards et al. 2015 PMID: 25741868, with internal and published modifications).

NM_004431.5(EPHA2):c.168G>A (p.Gln56=)

Gene: EPHA2 (EPH receptor A2; minus strand). Cytogenetic location: 1p36.13.
Variant type: single nucleotide variant.
Coding change: c.168G>A on transcript NM_004431.5 (MANE Select); coding-DNA position 168, G replaced by A.
Protein change: p.Gln56=; no amino-acid change (glutamine 56 retained).
Molecular consequence: synonymous variant.
Genome position (GRCh38, 1-based): chr1:16,149,033, C>T on the plus strand (G>A on the coding strand, the complement: EPHA2 is on the minus strand). VCF-style: chr1-16149033-C-T. GRCh37 (hg19) VCF-style: chr1-16475528-C-T.
Other names: c.6G>A, p.Gln2= (NM_001329090.2).
Identifiers: ClinVar variation 3043638 (VCV003043638.2), dbSNP rs2024989142, ClinGen allele CA416228895.